The following is an entry in ClinVar:

ClinVar aggregate classification (germline): Likely benign. Review status: criteria provided, multiple submitters, no conflicts (2 of 4 stars). 2 submissions from 2 submitters: Likely benign (2). Last evaluated 2025-10-26.

Allele frequency attached by ClinVar (database versions not stated): gnomAD exomes below 0.00001; TOPMed 0.00001.
gnomAD v4.1: 3 of 1,609,108 alleles (0.00019%); highest among the groups gnomAD compares: Middle Eastern, 0.017%; no homozygotes.

Submissions (2):

Labcorp Genetics (formerly Invitae), Labcorp
Classification: Likely benign. Last evaluated: 2025-10-26. Review status: criteria provided, single submitter. Criteria: Invitae Variant Classification Sherloc (09022015). Collection method: clinical testing. Allele origin: germline.

Women's Health and Genetics/Laboratory Corporation of America, LabCorp
Classification: Likely benign. Last evaluated: 2025-04-30. Review status: criteria provided, single submitter. Criteria: LabCorp Variant Classification Summary - May 2015. Collection method: clinical testing. Allele origin: germline.
Comment: Variant summary: SLC12A3 c.2747+8C>T alters a non-conserved nucleotide located at a position not widely known to affect splicing. Consensus agreement among computation tools predict no significant impact on normal splicing. However, these predictions have yet to be confirmed by functional studies. The variant was absent in 251452 control chromosomes. The available data on variant occurrences in the general population are insufficient to allow any conclusion about variant significance. To our knowledge, no occurrence of c.2747+8C>T in individuals affected with Familial Hypokalemia-Hypomagnesemia and no experimental evidence demonstrating its impact on protein function have been reported. ClinVar contains an entry for this variant (Variation ID: 1152357). Based on the evidence outlined above, the variant was classified as likely benign.

NM_001126108.2(SLC12A3):c.2720+8C>T

Gene: SLC12A3 (solute carrier family 12 member 3; plus strand). Cytogenetic location: 16q13.
Variant type: single nucleotide variant.
Coding change: c.2720+8C>T on transcript NM_001126108.2 (MANE Select); 8 bases into the intron after coding-DNA position 2720, C replaced by T.
Molecular consequence: intron variant.
Genome position (GRCh38, 1-based): chr16:56,899,624, C>T. VCF-style: chr16-56899624-C-T. GRCh37 (hg19) VCF-style: chr16-56933536-C-T.
Other names: c.2747+8C>T (NM_000339.3); c.2744+8C>T (NM_001126107.2).
Identifiers: ClinVar variation 1152357 (VCV001152357.10), dbSNP rs957373573, ClinGen allele CA281516380.